The following is an entry in ClinVar:

ClinVar aggregate classification (germline): Uncertain significance (1 of 4 stars; one submission).

Submission:

Labcorp Genetics (formerly Invitae), Labcorp
Classification: Uncertain significance. Last evaluated: 2022-08-20. Review status: criteria provided, single submitter. Criteria: Invitae Variant Classification Sherloc (09022015). Collection method: clinical testing. Allele origin: germline.
Comment: This variant, c.607_609del, results in the deletion of 1 amino acid(s) of the ABCA3 protein (p.Glu203del), but otherwise preserves the integrity of the reading frame. This variant is not present in population databases (gnomAD no frequency). This variant has been observed in individual(s) with childhood interstitial lung disease (PMID: 16641205). Experimental studies and prediction algorithms are not available or were not evaluated, and the functional significance of this variant is currently unknown. In summary, the available evidence is currently insufficient to determine the role of this variant in disease. Therefore, it has been classified as a Variant of Uncertain Significance.

Literature cited by the submitters: PubMed 16641205.

NM_001089.3(ABCA3):c.607_609del (p.Glu203del)

Gene: ABCA3 (ATP binding cassette subfamily A member 3; minus strand). Cytogenetic location: 16p13.3.
Variant type: Deletion.
Coding change: c.607_609del on transcript NM_001089.3 (MANE Select); coding-DNA positions 607 to 609, 3 bases deleted (GAA; older notation c.607_609delGAA).
Protein change: p.Glu203del; deletes glutamic acid 203.
Molecular consequence: inframe deletion.
Genome position (GRCh38, 1-based): chr16:2,323,527-2,323,529, TTC deleted on the plus strand (GAA on the coding strand, the reverse complement: ABCA3 is on the minus strand); deleting any 3 consecutive bases within chr16:2,323,527-2,323,530 gives the same sequence; the c. name uses the placement nearest the transcript's 3' end. VCF-style (leftmost placement, unchanged base first): chr16-2323526-GTTC-G. GRCh37 (hg19) VCF-style: chr16-2373527-GTTC-G.
Other names: short protein forms E203del.
Identifiers: ClinVar variation 2137769 (VCV002137769.1), dbSNP rs2505674191, ClinGen allele CA2575882978.